The following is an entry in ClinVar:

ClinVar aggregate classification (germline): Uncertain significance. Review status: criteria provided, multiple submitters, no conflicts (2 of 4 stars). 2 submissions from 2 submitters: Uncertain significance (2). Last evaluated 2022-08-09.

Allele frequency attached by ClinVar (database versions not stated): ExAC 0.00002; gnomAD exomes 0.00002; TOPMed 0.00003; ESP Exome Variant Server 0.00008.
gnomAD v4.1: 9 of 1,583,966 alleles (0.00057%); highest among the groups gnomAD compares: African/African-American, 0.012%; no homozygotes.

Submissions (2):

Labcorp Genetics (formerly Invitae), Labcorp
Classification: Uncertain significance. Last evaluated: 2022-08-09. Review status: criteria provided, single submitter. Criteria: Invitae Variant Classification Sherloc (09022015). Collection method: clinical testing. Allele origin: germline.
Comment: This sequence change replaces glutamine, which is neutral and polar, with proline, which is neutral and non-polar, at codon 95 of the ASAH1 protein (p.Gln95Pro). This variant is present in population databases (rs141265444, gnomAD 0.02%). This variant has not been reported in the literature in individuals affected with ASAH1-related conditions. ClinVar contains an entry for this variant (Variation ID: 1215158). Algorithms developed to predict the effect of missense changes on protein structure and function (SIFT, PolyPhen-2, Align-GVGD) all suggest that this variant is likely to be tolerated. In summary, the available evidence is currently insufficient to determine the role of this variant in disease. Therefore, it has been classified as a Variant of Uncertain Significance.

GeneDx
Classification: Uncertain significance. Last evaluated: 2019-11-26. Review status: criteria provided, single submitter. Criteria: GeneDx Variant Classification Process June 2021. Collection method: clinical testing. Allele origin: germline. Affected: yes.
Comment: In silico analysis, which includes protein predictors and evolutionary conservation, supports that this variant does not alter protein structure/function; Has not been previously published as pathogenic or benign to our knowledge

NM_177924.5(ASAH1):c.284A>C (p.Gln95Pro)

Gene: ASAH1 (N-acylsphingosine amidohydrolase 1; minus strand). Cytogenetic location: 8p22.
Variant type: single nucleotide variant.
Coding change: c.284A>C on transcript NM_177924.5 (MANE Select); coding-DNA position 284, A replaced by C.
Protein change: p.Gln95Pro; replaces glutamine 95 with proline.
Molecular consequence: missense variant. On other transcripts: intron variant (1).
Genome position (GRCh38, 1-based): chr8:18,069,811, T>G on the plus strand (A>C on the coding strand, the complement: ASAH1 is on the minus strand). VCF-style: chr8-18069811-T-G. GRCh37 (hg19) VCF-style: chr8-17927320-T-G.
Other names: c.89A>C, p.Gln30Pro (NM_001363743.2); c.332A>C, p.Gln111Pro (NM_004315.6); c.285+1489A>C (NM_001127505.3); short protein forms Q111P, Q30P, Q95P.
Identifiers: ClinVar variation 1215158 (VCV001215158.6), dbSNP rs141265444, ClinGen allele CA4650940.